The following is an entry in ClinVar:

ClinVar aggregate classification (germline): Uncertain significance. Review status: criteria provided, multiple submitters, no conflicts (2 of 4 stars). 3 submissions from 3 submitters: Uncertain significance (3). Last evaluated 2025-02-26.

Conditions:
Hypercholesterolemia, autosomal dominant, 3 (FHCL3). Also called: PCSK9-Related Familial Hypercholesterolemia, Autosomal Dominant; Familial hypercholesterolemia 3; Familial Hypercholesterolemia, Autosomal Dominant, 3. Identifiers: MedGen C1863551, MONDO:0011369, OMIM 603776.
Cardiovascular phenotype. Identifiers: MedGen CN230736.
Familial hypercholesterolemia. Also called: Familial hypercholesterolaemia; Familial hypercholesterolemias. Identifiers: MedGen C0020445, MONDO:0005439.

Allele frequency attached by ClinVar (database versions not stated): gnomAD exomes below 0.00001.
gnomAD v4.1: 1 of 1,566,544 alleles (0.000064%); highest among the groups gnomAD compares: Non-Finnish European, 0.000086%; no homozygotes.

Submissions (3):

Ambry Genetics
Classification: Uncertain significance for Cardiovascular phenotype. Last evaluated: 2025-02-26. Review status: criteria provided, single submitter. Criteria: Ambry Variant Classification Scheme 2023. Collection method: clinical testing. Allele origin: germline.

Color Diagnostics, LLC DBA Color Health
Classification: Uncertain significance for Familial hypercholesterolemia. Last evaluated: 2024-03-06. Review status: criteria provided, single submitter. Criteria: ACMG Guidelines, 2015. Collection method: clinical testing. Allele origin: germline.
Comment: This missense variant replaces leucine with proline at codon 22 of the PCSK9 protein. Computational prediction suggests that this variant may not impact protein structure and function (internally defined REVEL score threshold <= 0.5, PMID: 27666373). Splice site prediction tools suggest that this variant may not impact RNA splicing. To our knowledge, functional studies have not been performed for this variant. This variant has not been reported in individuals affected with familial hypercholesterolemia in the literature. This variant has not been identified in the general population by the Genome Aggregation Database (gnomAD). The available evidence is insufficient to determine the role of this variant in disease conclusively. Therefore, this variant is classified as a Variant of Uncertain Significance.

All of Us Research Program, National Institutes of Health
Classification: Uncertain significance for Hypercholesterolemia, autosomal dominant, 3. Last evaluated: 2023-05-31. Review status: criteria provided, single submitter. Criteria: ACMG Guidelines, 2015. Collection method: clinical testing. Allele origin: germline. Inheritance: Autosomal dominant inheritance. Observed: 1 variant allele, 1 heterozygote.
Comment: This missense variant replaces leucine with proline at codon 22 of the PCSK9 protein. Computational prediction suggests that this variant may not impact protein structure and function (internally defined REVEL score threshold <= 0.5, PMID: 27666373). Splice site prediction tools suggest that this variant may not impact RNA splicing. To our knowledge, functional studies have not been performed for this variant. This variant has not been reported in individuals affected with familial hypercholesterolemia in the literature. This variant has not been identified in the general population by the Genome Aggregation Database (gnomAD). The available evidence is insufficient to determine the role of this variant in disease conclusively. Therefore, this variant is classified as a Variant of Uncertain Significance.

This study involves interpretation of variants in research participants for the purpose of population health screening. Participant phenotype was not available at the time of variant classification. Additional details can be found in publication PMID: 35346344, PMCID: PMC8962531

NM_174936.4(PCSK9):c.65T>C (p.Leu22Pro)

Gene: PCSK9 (proprotein convertase subtilisin/kexin type 9; plus strand). Cytogenetic location: 1p32.3.
Variant type: single nucleotide variant.
Coding change: c.65T>C on transcript NM_174936.4 (MANE Select); coding-DNA position 65, T replaced by C.
Protein change: p.Leu22Pro; replaces leucine 22 with proline.
Molecular consequence: missense variant.
Genome position (GRCh38, 1-based): chr1:55,039,902, T>C. VCF-style: chr1-55039902-T-C. GRCh37 (hg19) VCF-style: chr1-55505575-T-C.
Other names: short protein forms L22P.
Identifiers: ClinVar variation 927084 (VCV000927084.6), dbSNP rs1644584917, ClinGen allele CA340482704.